The following is an entry in ClinVar:

NM_020987.5(ANK3):c.808A>G (p.Thr270Ala)

Gene: ANK3 (ankyrin 3; minus strand). Cytogenetic location: 10q21.2.
Variant type: single nucleotide variant.
Coding change: c.808A>G on transcript NM_020987.5 (MANE Select); coding-DNA position 808, A replaced by G.
Protein change: p.Thr270Ala; replaces threonine 270 with alanine.
Molecular consequence: missense variant.
Genome position (GRCh38, 1-based): chr10:60,234,777, T>C on the plus strand (A>G on the coding strand, the complement: ANK3 is on the minus strand). VCF-style: chr10-60234777-T-C. GRCh37 (hg19) VCF-style: chr10-61994535-T-C.
Other names: c.790A>G, p.Thr264Ala (NM_001204403.2); c.757A>G, p.Thr253Ala (NM_001204404.2); c.808A>G, p.Thr270Ala (NM_001320874.2); short protein forms T253A, T264A, T270A.
Identifiers: ClinVar variation 3893641 (VCV003893641.1).

ClinVar aggregate classification (germline): Uncertain significance (1 of 4 stars; one submission).

gnomAD v4.1: 2 of 1,608,242 alleles (0.00012%); highest among the groups gnomAD compares: Non-Finnish European, 0.00017%; no homozygotes.

Submission:

GeneDx
Classification: Uncertain significance. Last evaluated: 2024-10-28. Review status: criteria provided, single submitter. Criteria: GeneDx Variant Classification Process June 2021. Collection method: clinical testing. Allele origin: germline. Affected: yes.
Comment: Not observed at significant frequency in large population cohorts (gnomAD); In silico analysis supports that this missense variant has a deleterious effect on protein structure/function; Has not been previously published as pathogenic or benign to our knowledge